The following is an entry in ClinVar:

ClinVar aggregate classification (germline): Uncertain significance (1 of 4 stars; one submission).

Conditions:
Glycogen storage disease, type II (IOPD). Also called: Pompe Disease; CARDIOMEGALIA GLYCOGENICA DIFFUSA; GLYCOGENOSIS, GENERALIZED, CARDIAC FORM; GSD II; POMPE DISEASE, INFANTILE-ONSET; GLYCOGEN STORAGE DISEASE II, INFANTILE-ONSET. Identifiers: Orphanet 365, MedGen C0017921, MONDO:0009290, OMIM 232300.

Submission:

Genomenon, Inc
Classification: Uncertain significance for Glycogen storage disease, type II. Last evaluated: 2026-07-01. Review status: criteria provided, single submitter. Criteria: Genomenon Sequence Variant Interpretation Standards - Updated. Collection method: curation. Allele origin: germline. Affected: no.
Comment: GAA p.Gly293Val (c.878G>T) is a missense variant that changes the amino acid at codon 293 from Glycine to Valine. This variant has been reported in the published literature (PMID:31342611;30155607;33560568). It is absent or not present at a significant frequency in gnomAD. In silico models predict that this variant is possibly or probably damaging. In conclusion, we classify GAA p.Gly293Val (c.878G>T) as a variant of uncertain significance.

Literature cited by the submitters: PubMed 31342611; PubMed 30155607; PubMed 33560568.

NM_000152.5(GAA):c.878G>T (p.Gly293Val)

Gene: GAA (alpha glucosidase; plus strand). Cytogenetic location: 17q25.3.
Variant type: single nucleotide variant.
Coding change: c.878G>T on transcript NM_000152.5 (MANE Select); coding-DNA position 878, G replaced by T.
Protein change: p.Gly293Val; replaces glycine 293 with valine.
Molecular consequence: missense variant.
Genome position (GRCh38, 1-based): chr17:80,107,819, G>T. VCF-style: chr17-80107819-G-T. GRCh37 (hg19) VCF-style: chr17-78081618-G-T.
Other names: c.878G>T, p.Gly293Val (NM_001079803.3, NM_001079804.3, NM_001406741.1 and 1 more transcripts); short protein forms G293V.
Identifiers: ClinVar variation 4876504 (VCV004876504.1).